The following is an entry in ClinVar:

ClinVar aggregate classification (germline): Uncertain significance (1 of 4 stars; one submission).

Submission:

Labcorp Genetics (formerly Invitae), Labcorp
Classification: Uncertain significance. Last evaluated: 2022-03-10. Review status: criteria provided, single submitter. Criteria: Invitae Variant Classification Sherloc (09022015). Collection method: clinical testing. Allele origin: germline.
Comment: This variant, c.3402_3482del, results in the deletion of 27 amino acid(s) of the TUBGCP6 protein (p.Asn1139_Ser1165del), but otherwise preserves the integrity of the reading frame. This variant is not present in population databases (gnomAD no frequency). This variant has not been reported in the literature in individuals affected with TUBGCP6-related conditions. ClinVar contains an entry for this variant (Variation ID: 1013784). Experimental studies and prediction algorithms are not available or were not evaluated, and the functional significance of this variant is currently unknown. In summary, the available evidence is currently insufficient to determine the role of this variant in disease. Therefore, it has been classified as a Variant of Uncertain Significance.

NM_020461.4(TUBGCP6):c.3402_3482del (p.1112NASIRVGENVSDVAPTRPRWNTHGHVS[1])

Gene: TUBGCP6 (tubulin gamma complex component 6; minus strand). Cytogenetic location: 22q13.33.
Variant type: Deletion.
Coding change: c.3402_3482del on transcript NM_020461.4 (MANE Select); coding-DNA positions 3402 to 3482, 81 bases deleted.
Protein change: p.1112NASIRVGENVSDVAPTRPRWNTHGHVS[1].
Molecular consequence: inframe deletion.
Genome position (GRCh38, 1-based): chr22:50,220,877-50,220,957, 81 bases deleted. GRCh37 (hg19): chr22:50,659,311-50,659,391.
Identifiers: ClinVar variation 1013784 (VCV001013784.7), dbSNP rs2064509012, ClinGen allele CA1026636727.